The following is an entry in ClinVar:

NM_003070.5(SMARCA2):c.2966C>G (p.Thr989Arg)

Gene: SMARCA2 (SWI/SNF related BAF chromatin remodeling complex subunit ATPase 2; plus strand). Cytogenetic location: 9p24.3.
Variant type: single nucleotide variant.
Coding change: c.2966C>G on transcript NM_003070.5 (MANE Select); coding-DNA position 2966, C replaced by G.
Protein change: p.Thr989Arg; replaces threonine 989 with arginine.
Molecular consequence: missense variant.
Genome position (GRCh38, 1-based): chr9:2,096,739, C>G. VCF-style: chr9-2096739-C-G. GRCh37 (hg19) VCF-style: chr9-2096739-C-G.
Other names: c.2966C>G, p.Thr989Arg (NM_001289396.2, NM_139045.4); c.2792C>G, p.Thr931Arg (NM_001289397.2); short protein forms T931R, T989R.
Identifiers: ClinVar variation 1805422 (VCV001805422.1), dbSNP rs2537363604, ClinGen allele CA372786035.
Genomic context (GRCh38, chr9:2,096,739, plus strand): 5'-ACATGTCAGCTCTGCAGAAGATTCTGTATCGCCATATGCAAGCCAAGGGGATCCTTCTCA[C>G]AGATGGTTCTGAGAAAGATAAGAAGGTACGTTGCGAAAGATGATGCAACTCAAGGTGCTG-3'
Protein context (NP_003061.3, residues 979-999): RHMQAKGILL[Thr989Arg]DGSEKDKKGK

ClinVar aggregate classification (germline): Likely pathogenic (1 of 4 stars; one submission).

Conditions:
Nicolaides-Baraitser syndrome (NCBRS). Also called: Intellectual disability-sparse hair-brachydactyly syndrome; SMARCA2-Related Nicolaides-Baraitser Syndrome. Identifiers: Orphanet 3051, MedGen C1303073, MONDO:0011053, OMIM 601358.

Submission:

Victorian Clinical Genetics Services, Murdoch Childrens Research Institute
Classification: Likely pathogenic for Nicolaides-Baraitser syndrome. Last evaluated: 2022-03-31. Review status: criteria provided, single submitter. Criteria: ACMG Guidelines, 2015. Collection method: clinical testing. Allele origin: germline. Inheritance: Autosomal dominant inheritance. Affected: yes.
Comment: Based on the classification scheme VCGS_Germline_v1.3.4, this variant is classified as Likely pathogenic. Following criteria are met: 0105 - The mechanism of disease for this gene is not clearly established. Dominant negative is a suggested mechanism for Nicolaides-Baraitser syndrome (PMID: 22366787). (I) 0107 - This gene is associated with autosomal dominant disease. (I) 0200 - Variant is predicted to result in a missense amino acid change from threonine to arginine. (I) 0251 - This variant is heterozygous. (I) 0301 - Variant is absent from gnomAD (both v2 and v3). (SP) 0502 - Missense variant with conflicting in silico predictions and uninformative conservation. (I) 0603 - Missense variant in a region that is highly intolerant to missense variation (high constraint region in DECIPHER). (SP) 0705 - No comparable missense variants have previous evidence for pathogenicity. (I) 0807 - This variant has no previous evidence of pathogenicity. (I) 0905 - No published segregation evidence has been identified for this variant. (I) 1007 - No published functional evidence has been identified for this variant. (SP) Legend: (SP) - Supporting pathogenic, (I) - Information, (SB) - Supporting benign

Literature cited by the submitters: PubMed 22366787.